The following is an entry in ClinVar:

NM_014425.5(INVS):c.2068+1G>T

Gene: INVS (inversin; plus strand). Cytogenetic location: 9q31.1.
Variant type: single nucleotide variant.
Coding change: c.2068+1G>T on transcript NM_014425.5 (MANE Select); the canonical splice donor site of the intron after coding-DNA position 2068, G replaced by T.
Molecular consequence: splice donor variant.
Genome position (GRCh38, 1-based): chr9:100,284,604, G>T. VCF-style: chr9-100284604-G-T. GRCh37 (hg19) VCF-style: chr9-103046886-G-T.
Other names: c.1780+1G>T (NM_001318381.2); c.1090+1G>T (NM_001318382.2).
Identifiers: ClinVar variation 4984623 (VCV004984623.1).

ClinVar aggregate classification (germline): Likely pathogenic (1 of 4 stars; one submission).

Conditions:
INVS-related disorder. Also called: INVS-related condition.

gnomAD v4.1: 1 of 1,612,816 alleles (0.000062%); highest among the groups gnomAD compares: Non-Finnish European, 0.000085%; no homozygotes.

Submission:

PreventionGenetics, part of Exact Sciences
Classification: Likely pathogenic for INVS-related condition. Last evaluated: 2025-01-03. Review status: criteria provided, single submitter. Criteria: ACMG Guidelines, 2015. Collection method: clinical testing. Allele origin: germline.
Comment: The INVS c.2068+1G>T variant is predicted to disrupt the GT donor site and interfere with normal splicing. To our knowledge, this variant has not been reported in the literature or in a large population database (gnomAD), indicating this variant is rare. Variants that disrupt the consensus splice donor site in INVS are expected to be pathogenic. This variant is interpreted as likely pathogenic.